The following is an entry in ClinVar:

ClinVar aggregate classification (germline): Likely pathogenic (1 of 4 stars; one submission).

Conditions:
Neurodevelopmental disorder with or without hyperkinetic movements and seizures, autosomal dominant. Also called: Intellectual disability, autosomal dominant 8. Identifiers: MedGen C3280282, MONDO:0013655, OMIM 614254.

Submission:

Labcorp Genetics (formerly Invitae), Labcorp
Classification: Likely pathogenic for Neurodevelopmental disorder with or without hyperkinetic movements and seizures, autosomal dominant. Last evaluated: 2025-06-01. Review status: criteria provided, single submitter. Criteria: Invitae Variant Classification Sherloc (09022015). Collection method: clinical testing. Allele origin: germline.
Comment: This sequence change affects a donor splice site in intron 10 of the GRIN1 gene. It is expected to disrupt RNA splicing. Variants that disrupt the donor or acceptor splice site typically lead to a loss of protein function (PMID: 16199547), and loss-of-function variants in GRIN1 are known to be pathogenic (PMID: 27164704, 35393335). This variant is not present in population databases (gnomAD no frequency). This variant has not been reported in the literature in individuals affected with GRIN1-related conditions. ClinVar contains an entry for this variant (Variation ID: 2823064). Algorithms developed to predict the effect of sequence changes on RNA splicing suggest that this variant may disrupt the consensus splice site. In summary, the currently available evidence indicates that the variant is pathogenic, but additional data are needed to prove that conclusively. Therefore, this variant has been classified as Likely Pathogenic.

Literature cited by the submitters: PubMed 16199547; PubMed 27164704; PubMed 35393335.

NM_007327.4(GRIN1):c.1467+2T>G

Gene: GRIN1 (glutamate ionotropic receptor NMDA type subunit 1; plus strand). Cytogenetic location: 9q34.3.
Variant type: single nucleotide variant.
Coding change: c.1467+2T>G on transcript NM_007327.4 (MANE Select); the canonical splice donor site of the intron after coding-DNA position 1467, T replaced by G.
Molecular consequence: splice donor variant.
Genome position (GRCh38, 1-based): chr9:137,161,418, T>G. VCF-style: chr9-137161418-T-G. GRCh37 (hg19) VCF-style: chr9-140055870-T-G.
Other names: c.1530+2T>G (NM_001185090.2, NM_001185091.2); c.1467+2T>G (NM_021569.4, NM_000832.7).
Identifiers: ClinVar variation 2823064 (VCV002823064.3), dbSNP rs2538627305, ClinGen allele CA375716915.